The following is an entry in ClinVar:

NM_014846.4(WASHC5):c.2T>C (p.Met1Thr)

Gene: WASHC5 (WASH complex subunit 5; minus strand). Cytogenetic location: 8q24.13.
Variant type: single nucleotide variant.
Coding change: c.2T>C on transcript NM_014846.4 (MANE Select); coding-DNA position 2, T replaced by C.
Protein change: p.Met1Thr; changes the start codon (methionine 1).
Molecular consequence: missense variant, initiator codon variant. On other transcripts: intron variant (1).
Genome position (GRCh38, 1-based): chr8:125,083,897, A>G on the plus strand (T>C on the coding strand, the complement: WASHC5 is on the minus strand). VCF-style: chr8-125083897-A-G. GRCh37 (hg19) VCF-style: chr8-126096139-A-G.
Other names: c.-258-639T>C (NM_001330609.2); short protein forms M1T.
Identifiers: ClinVar variation 2627461 (VCV002627461.1), dbSNP rs2537392493, ClinGen allele CA372268848.

ClinVar aggregate classification (germline): Uncertain significance (1 of 4 stars; one submission).

Conditions:
Hereditary spastic paraplegia 8 (SPG8). Also called: SPASTIC PARAPLEGIA 8, AUTOSOMAL DOMINANT. Identifiers: Orphanet 100989, MedGen C1863704, MONDO:0011339, OMIM 603563.

Allele frequency attached by ClinVar (database versions not stated): gnomAD exomes below 0.00001.

Submission:

Neuberg Centre For Genomic Medicine, NCGM
Classification: Uncertain significance for Hereditary spastic paraplegia 8. Review status: criteria provided, single submitter. Criteria: ACMG Guidelines, 2015. Collection method: clinical testing. Allele origin: germline. Inheritance: Autosomal dominant inheritance. Affected: yes.
Comment: The initiator codon variant p.M1T in WASHC5 (NM_014846.4) has not been reported previously as a pathogenic variant nor as a benign variant, to our knowledge. The p.M1T variant is novel (not in any individuals) in gnomAD Exomes and is novel (not in any individuals) in 1000 Genomes. The variant affects the initiation codon and hence would be expected to affect protein elongation. However an alternative start codon is utilized by another functional transcript coded by WASHC5. For these reasons, the variant has been classified as Uncertain Significance.